The following is an entry in ClinVar:

ClinVar aggregate classification (germline): Pathogenic. Review status: criteria provided, multiple submitters, no conflicts (2 of 4 stars). 3 submissions from 3 submitters: Pathogenic (3). Last evaluated 2023-11-17.

Conditions:
Hereditary cancer-predisposing syndrome. Also called: Hereditary Cancer Syndrome; Neoplastic Syndromes, Hereditary; Tumor predisposition; Hereditary neoplastic syndrome. Identifiers: Orphanet 140162, MedGen C0027672, MeSH D009386, MONDO:0015356.
Familial cancer of breast. Also called: BREAST CANCER, FAMILIAL; Hereditary breast cancer; hereditary breast carcinoma. Identifiers: Orphanet 227535, MedGen C0346153, MONDO:0016419, OMIM 114480. Disease mechanism: loss of function.

Submissions (3):

Ambry Genetics
Classification: Pathogenic for Hereditary cancer-predisposing syndrome. Last evaluated: 2023-11-17. Review status: criteria provided, single submitter. Criteria: Ambry Variant Classification Scheme 2023. Collection method: clinical testing. Allele origin: germline.
Comment: The c.273delG pathogenic mutation (also known as p.W91*), located in coding exon 3 of the BARD1 gene, results from a deletion of one nucleotide at nucleotide position 273. This changes the amino acid from a tryptophan to a stop codon within coding exon 3. This variant is considered to be rare based on population cohorts in the Genome Aggregation Database (gnomAD). This alteration is expected to result in loss of function by premature protein truncation or nonsense-mediated mRNA decay. As such, this alteration is interpreted as a disease-causing mutation.

Myriad Genetics, Inc.
Classification: Pathogenic for Familial cancer of breast. Last evaluated: 2023-05-18. Review status: criteria provided, single submitter. Criteria: Myriad Autosomal Dominant, Autosomal Recessive and X-Linked Classification Criteria (2023). Collection method: clinical testing. Allele origin: unknown.
Comment: This variant is considered pathogenic. This variant creates a termination codon and is predicted to result in premature protein truncation.

Labcorp Genetics (formerly Invitae), Labcorp
Classification: Pathogenic for Familial cancer of breast. Last evaluated: 2020-02-26. Review status: criteria provided, single submitter. Criteria: Invitae Variant Classification Sherloc (09022015). Collection method: clinical testing. Allele origin: germline.
Comment: This sequence change creates a premature translational stop signal (p.Trp91*) in the BARD1 gene. It is expected to result in an absent or disrupted protein product. This variant is not present in population databases (ExAC no frequency). This variant has not been reported in the literature in individuals with BARD1-related conditions. ClinVar contains an entry for this variant (Variation ID: 481412). Loss-of-function variants in BARD1 are known to be pathogenic (PMID: 20077502, 21344236). For these reasons, this variant has been classified as Pathogenic.

Literature cited by the submitters: PubMed 20077502 (cited by Labcorp Genetics (formerly Invitae), Labcorp); PubMed 21344236 (cited by Labcorp Genetics (formerly Invitae), Labcorp).

NM_000465.4(BARD1):c.273del (p.Ala90_Trp91insTer)

Gene: BARD1 (BRCA1 associated RING domain 1; minus strand). Cytogenetic location: 2q35.
Variant type: Deletion.
Coding change: c.273del on transcript NM_000465.4 (MANE Select); coding-DNA position 273, one base deleted (G; older notation c.273delG).
Protein change: p.Ala90_Trp91insTer.
Molecular consequence: nonsense. On other transcripts: non-coding transcript variant (1), intron variant (2).
Genome position (GRCh38, 1-based): chr2:214,792,388, C deleted on the plus strand (G on the coding strand, the reverse complement: BARD1 is on the minus strand); the first of 2 consecutive C bases (chr2:214,792,388-214,792,389); deleting either gives the same sequence. VCF-style (leftmost placement, unchanged base first): chr2-214792387-TC-T. GRCh37 (hg19) VCF-style: chr2-215657111-TC-T.
Other names: c.216del, p.Ala71_Trp72insTer (NM_001282543.2); c.273del, p.Ala90_Trp91insTer (NM_001282549.2); c.158+17024del (NM_001282548.2); c.215+4673del (NM_001282545.2).
Identifiers: ClinVar variation 481412 (VCV000481412.15), dbSNP rs1553624801, ClinGen allele CA658657215.